The following is an entry in ClinVar:

NM_004006.3(DMD):c.2947C>T (p.Gln983Ter)

Gene: DMD (dystrophin; minus strand). Cytogenetic location: Xp21.1.
Variant type: single nucleotide variant.
Coding change: c.2947C>T on transcript NM_004006.3 (MANE Select); coding-DNA position 2947, C replaced by T.
Protein change: p.Gln983Ter; replaces glutamine 983 with a stop codon.
Molecular consequence: nonsense.
Genome position (GRCh38, 1-based): chrX:32,472,166, G>A on the plus strand (C>T on the coding strand, the complement: DMD is on the minus strand). VCF-style: chrX-32472166-G-A. GRCh37 (hg19) VCF-style: chrX-32490283-G-A.
Other names: NC_000023.10:g.32490283G>A; c.2923C>T, p.Gln975Ter (NM_000109.4); c.2935C>T, p.Gln979Ter (NM_004009.3); c.2578C>T, p.Gln860Ter (NM_004010.3); short protein forms Q860*, Q975*, Q979*, Q983*.
Identifiers: ClinVar variation 4487371 (VCV004487371.2), dbSNP rs2148484535.

ClinVar aggregate classification (germline): Likely pathogenic (1 of 4 stars; one submission).

Conditions:
Duchenne muscular dystrophy (DMD). Also called: MUSCULAR DYSTROPHY, PSEUDOHYPERTROPHIC PROGRESSIVE, DUCHENNE TYPE; Duchenne Muscular Dystrophy (DMD). Identifiers: Orphanet 98896, MedGen C0013264, MONDO:0010679, OMIM 310200.

Submissions (2):

Diagnostics Services (NGS), CSIR - Centre For Cellular And Molecular Biology
Classification: Likely pathogenic for Duchenne muscular dystrophy. Last evaluated: 2026-01-22. Review status: criteria provided, single submitter. Criteria: ACMG Guidelines, 2015. Collection method: clinical testing. Allele origin: germline. Affected: yes. Observed: 1 variant allele, 1 hemizygote.
Comment: The c.2947C>T variant is not present in publicly available population databases like 1000 Genomes, EVS, gnomAD, Indian Exome Database or our internal database. This variant has neither been published in literature in individuals affected with DMD-related conditions nor reported to the clinical databases like Human Genome Mutation Database (HGMD), ClinVar or OMIM, in any affected individuals. In-silico pathogenicity prediction programs like MutationTaster2021, CADD, Franklin, Varsome etc predicted this variant to be likely deleterious however these predictions were not confirmed by published functional/translational studies. This variant creates a premature translational stop signal at the 983rd amino acid position of the wild-type transcript that may either result in translation of a truncated protein or cause nonsense mediated decay of the mRNA.

Dr. Peter K. Rogan Lab, Western University
No classification provided (evidence only). Condition: Thyroid cancer, nonmedullary, 1. Review status: no classification provided. Collection method: in vitro. Allele origin: not applicable. Functional consequence: retained intron. Not counted in ClinVar's aggregate classification.